The following is an entry in ClinVar:

ClinVar aggregate classification (germline): Uncertain significance (1 of 4 stars; one submission).

Conditions:
Neuropathy, hereditary sensory and autonomic, type 2A (HSAN2A). Also called: ACROOSTEOLYSIS, GIACCAI TYPE; ACROOSTEOLYSIS, NEUROGENIC; MORVAN DISEASE; NEUROPATHY, CONGENITAL SENSORY; NEUROPATHY, HEREDITARY SENSORY RADICULAR, AUTOSOMAL RECESSIVE; NEUROPATHY, HEREDITARY SENSORY, TYPE IIA. Identifiers: Orphanet 970, MedGen C2752089, MONDO:0024309, OMIM 201300.
Pseudohypoaldosteronism type 2C (PHA2C). Also called: Pseudohypoaldosteronism Type IIC. Identifiers: Orphanet 757, Orphanet 88940, MedGen C1840391, MONDO:0013778, OMIM 614492.

Submission:

Labcorp Genetics (formerly Invitae), Labcorp
Classification: Uncertain significance for Neuropathy, hereditary sensory and autonomic, type 2A; Pseudohypoaldosteronism type 2C. Last evaluated: 2023-01-01. Review status: criteria provided, single submitter. Criteria: Invitae Variant Classification Sherloc (09022015). Collection method: clinical testing. Allele origin: germline.
Comment: In summary, the available evidence is currently insufficient to determine the role of this variant in disease. Therefore, it has been classified as a Variant of Uncertain Significance. Advanced modeling of protein sequence and biophysical properties (such as structural, functional, and spatial information, amino acid conservation, physicochemical variation, residue mobility, and thermodynamic stability) performed at Invitae indicates that this missense variant is not expected to disrupt WNK1 protein function. This sequence change replaces serine, which is neutral and polar, with threonine, which is neutral and polar, at codon 1537 of the WNK1 protein (p.Ser1537Thr). This variant is not present in population databases (gnomAD no frequency). This variant has not been reported in the literature in individuals affected with WNK1-related conditions.

NM_018979.4(WNK1):c.3853T>A (p.Ser1285Thr)

Gene: WNK1 (WNK lysine deficient protein kinase 1; plus strand). Cytogenetic location: 12p13.33.
Variant type: single nucleotide variant.
Coding change: c.3853T>A on transcript NM_018979.4 (MANE Select); coding-DNA position 3853, T replaced by A.
Protein change: p.Ser1285Thr; replaces serine 1285 with threonine.
Molecular consequence: missense variant.
Genome position (GRCh38, 1-based): chr12:884,657, T>A. VCF-style: chr12-884657-T-A. GRCh37 (hg19) VCF-style: chr12-993823-T-A.
Other names: c.4633T>A, p.Ser1545Thr (NM_001184985.2); c.3112T>A, p.Ser1038Thr (NM_014823.3); c.4609T>A, p.Ser1537Thr (NM_213655.5); short protein forms S1038T, S1285T, S1537T, S1545T.
Identifiers: ClinVar variation 2942881 (VCV002942881.3), dbSNP rs2549037494, ClinGen allele CA383330038.